The following is an entry in ClinVar:

ClinVar aggregate classification (germline): Uncertain significance. Review status: criteria provided, multiple submitters, no conflicts (2 of 4 stars). 2 submissions from 2 submitters: Uncertain significance (2). Last evaluated 2026-05-26.

Conditions:
B-cell immunodeficiency, distal limb anomalies, and urogenital malformations. Also called: HOFFMAN SYNDROME; BILU SYNDROME. Identifiers: Orphanet 567502, MedGen C1836437, MONDO:0012243, OMIM 609296.
Inborn genetic diseases. Identifiers: MedGen C0950123, MeSH D030342.

gnomAD v4.1: 7 of 1,211,900 alleles (0.00058%); highest among the groups gnomAD compares: African/African-American, 0.0017%; no homozygotes.

Submissions (2):

Ambry Genetics
Classification: Uncertain significance for Inborn genetic diseases. Last evaluated: 2026-05-26. Review status: criteria provided, single submitter. Criteria: Ambry Variant Classification Scheme 2023. Collection method: clinical testing. Allele origin: germline.

Neuberg Centre For Genomic Medicine, NCGM
Classification: Uncertain significance for B-cell immunodeficiency, distal limb anomalies, and urogenital malformations. Review status: criteria provided, single submitter. Criteria: ACMG Guidelines, 2015. Collection method: clinical testing. Allele origin: germline. Inheritance: Autosomal dominant inheritance. Affected: yes.
Comment: The observed missense c.601G>A (p.Val201Ile) variant in MID1 gene has not been reported previously as a pathogenic variant nor as a benign variant, to our knowledge. The p.Val201Ile variant is absent in gnomAD Exomes. This variant has not been submitted to the ClinVar database. Computational evidence (Polyphen - Probably Damaging, SIFT - Tolerated and MutationTaster - Disease causing) predicts conflicting evidence on protein structure and function for this variant. The reference amino acid of p.Val201Ile in MID1 is predicted as conserved by GERP++ and PhyloP across 100 vertebrates. The amino acid Val at position 201 is changed to a Ile changing protein sequence and it might alter its composition and physico-chemical properties. For these reasons, this variant has been classified as a Variant of Uncertain Significance (VUS).

NM_000381.4(MID1):c.601G>A (p.Val201Ile)

Gene: MID1 (midline 1; minus strand). Cytogenetic location: Xp22.2.
Variant type: single nucleotide variant.
Coding change: c.601G>A on transcript NM_000381.4 (MANE Select); coding-DNA position 601, G replaced by A.
Protein change: p.Val201Ile; replaces valine 201 with isoleucine.
Molecular consequence: missense variant. On other transcripts: intron variant (2).
Genome position (GRCh38, 1-based): chrX:10,566,947, C>T on the plus strand (G>A on the coding strand, the complement: MID1 is on the minus strand). VCF-style: chrX-10566947-C-T. GRCh37 (hg19) VCF-style: chrX-10534987-C-T.
Other names: c.601G>A (NM_000381.3); c.601G>A, p.Val201Ile (NM_001098624.2, NM_001193277.1, NM_001193278.1 and 3 more transcripts); c.546+55G>A (NM_033289.2, NM_001193280.1); short protein forms V201I.
Identifiers: ClinVar variation 3362821 (VCV003362821.4).